The following is an entry in ClinVar:

ClinVar aggregate classification (germline): Pathogenic (1 of 4 stars; one submission).

Submission:

Labcorp Genetics (formerly Invitae), Labcorp
Classification: Pathogenic. Last evaluated: 2024-10-15. Review status: criteria provided, single submitter. Criteria: Invitae Variant Classification Sherloc (09022015). Collection method: clinical testing. Allele origin: germline.
Comment: This sequence change creates a premature translational stop signal (p.Phe773Leufs*21) in the ASPM gene. It is expected to result in an absent or disrupted protein product. Loss-of-function variants in ASPM are known to be pathogenic (PMID: 19028728, 23611254). This variant is not present in population databases (gnomAD no frequency). This variant has not been reported in the literature in individuals affected with ASPM-related conditions. For these reasons, this variant has been classified as Pathogenic.

Literature cited by the submitters: PubMed 19028728; PubMed 23611254.

NM_018136.5(ASPM):c.2316_2319del (p.Phe773fs)

Gene: ASPM (assembly factor for spindle microtubules; minus strand). Cytogenetic location: 1q31.3.
Variant type: Microsatellite.
Coding change: c.2316_2319del on transcript NM_018136.5 (MANE Select); coding-DNA positions 2316 to 2319, 4 bases deleted (GTTT; older notation c.2316_2319delGTTT).
Protein change: p.Phe773fs; shifts the reading frame from phenylalanine 773.
Molecular consequence: frameshift variant.
Genome position (GRCh38, 1-based): chr1:197,133,450-197,133,453, AAAC deleted on the plus strand (GTTT on the coding strand, the reverse complement: ASPM is on the minus strand); deleting any 4 consecutive bases within chr1:197,133,450-197,133,457 gives the same sequence; the c. name uses the placement nearest the transcript's 3' end. VCF-style (leftmost placement, unchanged base first): chr1-197133449-TAAAC-T. GRCh37 (hg19) VCF-style: chr1-197102579-TAAAC-T.
Other names: c.2316_2319del, p.Phe773fs (NM_001206846.2); short protein forms F773fs.
Identifiers: ClinVar variation 2070730 (VCV002070730.4), dbSNP rs2527377406, ClinGen allele CA2580611526.